The following is an entry in ClinVar:

NM_170606.3(KMT2C):c.1670T>A (p.Phe557Tyr)

Gene: KMT2C (lysine methyltransferase 2C; minus strand). Cytogenetic location: 7q36.1.
Variant type: single nucleotide variant.
Coding change: c.1670T>A on transcript NM_170606.3 (MANE Select); coding-DNA position 1670, T replaced by A.
Protein change: p.Phe557Tyr; replaces phenylalanine 557 with tyrosine.
Molecular consequence: missense variant.
Genome position (GRCh38, 1-based): chr7:152,250,918, A>T on the plus strand (T>A on the coding strand, the complement: KMT2C is on the minus strand). VCF-style: chr7-152250918-A-T. GRCh37 (hg19) VCF-style: chr7-151948003-A-T.
Other names: short protein forms F557Y.
Identifiers: ClinVar variation 4086547 (VCV004086547.1).

ClinVar aggregate classification (germline): Uncertain significance (1 of 4 stars; one submission).

Submission:

GeneDx
Classification: Uncertain significance. Last evaluated: 2025-03-18. Review status: criteria provided, single submitter. Criteria: GeneDx Variant Classification Process June 2021. Collection method: clinical testing. Allele origin: germline. Affected: yes.
Comment: Not observed at significant frequency in large population cohorts (gnomAD); In silico analysis indicates that this missense variant does not alter protein structure/function; Has not been previously published as pathogenic or benign to our knowledge